The following is an entry in ClinVar:

NM_005475.3(SH2B3):c.680C>T (p.Ala227Val)

Gene: SH2B3 (SH2B adaptor protein 3; plus strand). Cytogenetic location: 12q24.12.
Variant type: single nucleotide variant.
Coding change: c.680C>T on transcript NM_005475.3 (MANE Select); coding-DNA position 680, C replaced by T.
Protein change: p.Ala227Val; replaces alanine 227 with valine.
Molecular consequence: missense variant.
Genome position (GRCh38, 1-based): chr12:111,418,825, C>T. VCF-style: chr12-111418825-C-T. GRCh37 (hg19) VCF-style: chr12-111856629-C-T.
Other names: short protein forms A227V.
Identifiers: ClinVar variation 3440803 (VCV003440803.1).

ClinVar aggregate classification (germline): Uncertain significance (1 of 4 stars; one submission).

Conditions:
Inborn genetic diseases. Identifiers: MedGen C0950123, MeSH D030342.

gnomAD v4.1: 2 of 1,423,918 alleles (0.00014%); highest among the groups gnomAD compares: Admixed American, 0.0033%; no homozygotes.

Submission:

Ambry Genetics
Classification: Uncertain significance for Inborn genetic diseases. Last evaluated: 2024-11-28. Review status: criteria provided, single submitter. Criteria: Ambry Variant Classification Scheme 2023. Collection method: clinical testing. Allele origin: germline.
Comment: The p.A227V variant (also known as c.680C>T), located in coding exon 1 of the SH2B3 gene, results from a C to T substitution at nucleotide position 680. The alanine at codon 227 is replaced by valine, an amino acid with similar properties. This amino acid position is conserved. In addition, this alteration is predicted to be tolerated by in silico analysis. Based on the available evidence, the clinical significance of this variant remains unclear.